The following is an entry in ClinVar:

ClinVar aggregate classification (germline): Pathogenic (1 of 4 stars; one submission).

Conditions:
Parkinsonian-pyramidal syndrome. Also called: PALLIDOPYRAMIDAL SYNDROME; PARKINSON DISEASE 15, AUTOSOMAL RECESSIVE EARLY-ONSET; PARKINSON DISEASE 15, AUTOSOMAL RECESSIVE. Identifiers: Orphanet 171695, MedGen C1850100, MONDO:0009830, OMIM 260300.

Allele frequency attached by ClinVar (database versions not stated): ExAC 0.00001; gnomAD exomes 0.00001.

Submission:

Labcorp Genetics (formerly Invitae), Labcorp
Classification: Pathogenic for Parkinsonian-pyramidal syndrome. Last evaluated: 2023-06-09. Review status: criteria provided, single submitter. Criteria: Invitae Variant Classification Sherloc (09022015). Collection method: clinical testing. Allele origin: germline.
Comment: Algorithms developed to predict the effect of sequence changes on RNA splicing suggest that this variant may disrupt the consensus splice site. For these reasons, this variant has been classified as Pathogenic. ClinVar contains an entry for this variant (Variation ID: 2150213). This variant has not been reported in the literature in individuals affected with FBXO7-related conditions. This variant is present in population databases (rs750398883, gnomAD 0.0009%). This sequence change creates a premature translational stop signal (p.Ser90Tyrfs*11) in the FBXO7 gene. It is expected to result in an absent or disrupted protein product. Loss-of-function variants in FBXO7 are known to be pathogenic (PMID: 21347293).

Literature cited by the submitters: PubMed 21347293.

NM_012179.4(FBXO7):c.269_270del (p.Ser90fs)

Gene: FBXO7 (F-box protein 7; plus strand). Cytogenetic location: 22q12.3.
Variant type: Deletion.
Coding change: c.269_270del on transcript NM_012179.4 (MANE Select); coding-DNA positions 269 to 270, 2 bases deleted (CC; older notation c.269_270delCC).
Protein change: p.Ser90fs; shifts the reading frame from serine 90.
Molecular consequence: frameshift variant. On other transcripts: 5 prime UTR variant (1), intron variant (1).
Genome position (GRCh38, 1-based): chr22:32,479,127-32,479,128, CC deleted. VCF-style (leftmost placement, unchanged base first): chr22-32479126-TCC-T. GRCh37 (hg19) VCF-style: chr22-32875113-TCC-T.
Other names: c.-74_-73del (NM_001257990.2); c.38-6_38-5del (NM_001033024.2); short protein forms S90fs.
Identifiers: ClinVar variation 2150213 (VCV002150213.4), dbSNP rs750398883, ClinGen allele CA10201380.